The following is an entry in ClinVar:

ClinVar aggregate classification (germline): Uncertain significance. Review status: criteria provided, multiple submitters, no conflicts (2 of 4 stars). 2 submissions from 2 submitters: Uncertain significance (2). Last evaluated 2026-07-01.

Conditions:
Glycogen storage disease, type II (IOPD). Also called: CARDIOMEGALIA GLYCOGENICA DIFFUSA; GLYCOGENOSIS, GENERALIZED, CARDIAC FORM; GSD II; Glycogen storage disease type 2; Acid maltase deficiency disease; Aglucosidase alfa. Identifiers: Orphanet 365, MedGen C0017921, MONDO:0009290, OMIM 232300.

Submissions (2):

Genomenon, Inc
Classification: Uncertain significance for Glycogen storage disease, type II. Last evaluated: 2026-07-01. Review status: criteria provided, single submitter. Criteria: Genomenon Sequence Variant Interpretation Standards - Updated. Collection method: curation. Allele origin: germline. Affected: no.
Comment: GAA p.Thr556Ala (c.1666A>G) is a missense variant that changes the amino acid at codon 556 from Threonine to Alanine. This variant has been reported in the published literature (PMID:30281819). It is absent or not present at a significant frequency in gnomAD. In silico models predict that this variant is possibly or probably damaging. In conclusion, we classify GAA p.Thr556Ala (c.1666A>G) as a variant of uncertain significance.

Myriad Genetics, Inc.
Classification: Uncertain significance for Glycogen storage disease, type II. Last evaluated: 2025-11-04. Review status: criteria provided, single submitter. Criteria: Myriad Autosomal Dominant, Autosomal Recessive and X-Linked Classification Criteria (2023). Collection method: clinical testing. Allele origin: unknown.
Comment: NM_000152.3(GAA):c.1666A>G(T556A) is a missense variant classified as a variant of uncertain significance in the context of Pompe disease. T556A has been observed in a case with relevant disease (PMID: 24016645). Relevant functional assessments of this variant are not available in the literature. T556A has not been observed in referenced population frequency databases. In summary, there is insufficient evidence to classify NM_000152.3(GAA):c.1666A>G(T556A) as pathogenic or benign. Please note: this variant was assessed in the context of healthy population screening.

Literature cited by the submitters: PubMed 30281819 (cited by Genomenon, Inc); PubMed 24016645 (cited by Myriad Genetics, Inc.).

NM_000152.5(GAA):c.1666A>G (p.Thr556Ala)

Gene: GAA (alpha glucosidase; plus strand). Cytogenetic location: 17q25.3.
Variant type: single nucleotide variant.
Coding change: c.1666A>G on transcript NM_000152.5 (MANE Select); coding-DNA position 1666, A replaced by G.
Protein change: p.Thr556Ala; replaces threonine 556 with alanine.
Molecular consequence: missense variant.
Genome position (GRCh38, 1-based): chr17:80,112,012, A>G. VCF-style: chr17-80112012-A-G. GRCh37 (hg19) VCF-style: chr17-78085811-A-G.
Other names: c.1666A>G, p.Thr556Ala (NM_001079803.3, NM_001079804.3, NM_001406741.1 and 1 more transcripts); short protein forms T556A.
Identifiers: ClinVar variation 4876276 (VCV004876276.2).